The following is an entry in ClinVar:

NM_000038.6(APC):c.2021T>G (p.Leu674Trp)

Gene: APC (APC regulator of Wnt signaling pathway; plus strand). Cytogenetic location: 5q22.2.
Variant type: single nucleotide variant.
Coding change: c.2021T>G on transcript NM_000038.6 (MANE Select); coding-DNA position 2021, T replaced by G.
Protein change: p.Leu674Trp; replaces leucine 674 with tryptophan.
Molecular consequence: missense variant.
Genome position (GRCh38, 1-based): chr5:112,837,615, T>G. VCF-style: chr5-112837615-T-G. GRCh37 (hg19) VCF-style: chr5-112173312-T-G.
Other names: c.2021T>G, p.Leu674Trp (NM_001127510.3, NM_001354895.2); c.1967T>G, p.Leu656Trp (NM_001127511.3); c.2075T>G, p.Leu692Trp (NM_001354896.2); c.2051T>G, p.Leu684Trp (NM_001354897.2); c.1946T>G, p.Leu649Trp (NM_001354898.2); c.1937T>G, p.Leu646Trp (NM_001354899.2); c.1898T>G, p.Leu633Trp (NM_001354900.2); c.1844T>G, p.Leu615Trp (NM_001354901.2); and 5 more; short protein forms L514W, L615W, L656W, L391W, L548W, L583W, L633W, L649W.
Identifiers: ClinVar variation 943711 (VCV000943711.11), dbSNP rs1554083898, ClinGen allele CA16025739.

ClinVar aggregate classification (germline): Uncertain significance (1 of 4 stars; one submission).

Conditions:
Familial adenomatous polyposis 1 (FAP1). Also called: POLYPOSIS, ADENOMATOUS INTESTINAL; FAMILIAL ADENOMATOUS POLYPOSIS 1, ATTENUATED. Identifiers: MedGen C2713442, MONDO:0021056, OMIM 175100. Disease mechanism: loss of function.

Submission:

Labcorp Genetics (formerly Invitae), Labcorp
Classification: Uncertain significance for Familial adenomatous polyposis 1. Last evaluated: 2025-03-07. Review status: criteria provided, single submitter. Criteria: Invitae Variant Classification Sherloc (09022015). Collection method: clinical testing. Allele origin: germline.
Comment: This sequence change replaces leucine, which is neutral and non-polar, with tryptophan, which is neutral and slightly polar, at codon 674 of the APC protein (p.Leu674Trp). This variant is not present in population databases (gnomAD no frequency). This variant has not been reported in the literature in individuals affected with APC-related conditions. ClinVar contains an entry for this variant (Variation ID: 943711). Invitae Evidence Modeling of protein sequence and biophysical properties (such as structural, functional, and spatial information, amino acid conservation, physicochemical variation, residue mobility, and thermodynamic stability) indicates that this missense variant is not expected to disrupt APC protein function with a negative predictive value of 95%. In summary, the available evidence is currently insufficient to determine the role of this variant in disease. Therefore, it has been classified as a Variant of Uncertain Significance.